The following is an entry in ClinVar:

NM_024678.6(NARS2):c.1350A>G (p.Glu450=)

Gene: NARS2 (asparaginyl-tRNA synthetase 2, mitochondrial; minus strand). Cytogenetic location: 11q14.1.
Variant type: single nucleotide variant.
Coding change: c.1350A>G on transcript NM_024678.6 (MANE Select); coding-DNA position 1350, A replaced by G.
Protein change: p.Glu450=; no amino-acid change (glutamic acid 450 retained).
Molecular consequence: synonymous variant.
Genome position (GRCh38, 1-based): chr11:78,436,754, T>C on the plus strand (A>G on the coding strand, the complement: NARS2 is on the minus strand). VCF-style: chr11-78436754-T-C. GRCh37 (hg19) VCF-style: chr11-78147800-T-C.
Other names: c.669A>G, p.Glu223= (NM_001243251.2, NM_001425312.1, NM_001425313.1); c.1473A>G, p.Glu491= (NM_001425299.1); c.1323A>G, p.Glu441= (NM_001425300.1); c.1278A>G, p.Glu426= (NM_001425301.1); c.1269A>G, p.Glu423= (NM_001425302.1); c.1242A>G, p.Glu414= (NM_001425303.1); c.1212A>G, p.Glu404= (NM_001425304.1); c.*1213A>G (NM_001425305.1); and 7 more.
Identifiers: ClinVar variation 3058399 (VCV003058399.2), dbSNP rs1281406867, ClinGen allele CA476052245.

ClinVar aggregate classification (germline): Likely benign (0 of 4 stars; one submission).

Conditions:
NARS2-related disorder. Also called: NARS2-related condition.

gnomAD v4.1: 6 of 1,614,208 alleles (0.00037%); highest among the groups gnomAD compares: South Asian, 0.0055%; no homozygotes.

Submission:

PreventionGenetics, part of Exact Sciences
Classification: Likely benign for NARS2-related condition. Last evaluated: 2019-04-08. Review status: no assertion criteria provided. Collection method: clinical testing. Allele origin: germline.
Comment: This variant is classified as likely benign based on ACMG/AMP sequence variant interpretation guidelines (Richards et al. 2015 PMID: 25741868, with internal and published modifications).